The following is an entry in ClinVar:

NM_152618.3(BBS12):c.1175C>T (p.Ser392Leu)

Gene: BBS12 (Bardet-Biedl syndrome 12; plus strand). Cytogenetic location: 4q27.
Variant type: single nucleotide variant.
Coding change: c.1175C>T on transcript NM_152618.3 (MANE Select); coding-DNA position 1175, C replaced by T.
Protein change: p.Ser392Leu; replaces serine 392 with leucine.
Molecular consequence: missense variant.
Genome position (GRCh38, 1-based): chr4:122,743,067, C>T. VCF-style: chr4-122743067-C-T. GRCh37 (hg19) VCF-style: chr4-123664222-C-T.
Other names: c.1175C>T, p.Ser392Leu (NM_001178007.2); short protein forms S392L.
Identifiers: ClinVar variation 3358276 (VCV003358276.1).

ClinVar aggregate classification (germline): Uncertain significance (0 of 4 stars; one submission).

Conditions:
BBS12-related disorder. Also called: BBS12-related condition.

gnomAD v4.1: 5 of 1,614,112 alleles (0.00031%); highest among the groups gnomAD compares: African/African-American, 0.0067%; no homozygotes.

Submission:

PreventionGenetics, part of Exact Sciences
Classification: Uncertain significance for BBS12-related condition. Last evaluated: 2023-12-01. Review status: no assertion criteria provided. Collection method: clinical testing. Allele origin: germline.
Comment: The BBS12 c.1175C>T variant is predicted to result in the amino acid substitution p.Ser392Leu. To our knowledge, this variant has not been reported in the literature. This variant is reported in 0.012% of alleles in individuals of African descent in gnomAD. At this time, the clinical significance of this variant is uncertain due to the absence of conclusive functional and genetic evidence.